The following is an entry in ClinVar:

ClinVar aggregate classification (germline): Likely pathogenic. Review status: criteria provided, multiple submitters, no conflicts (2 of 4 stars). 2 submissions from 2 submitters: Likely pathogenic (2). Last evaluated 2024-04-26.

Conditions:
Primary dilated cardiomyopathy (DCM). Also called: Dilated Cardiomyopathy. Identifiers: Orphanet 217604, MedGen C0007193, MeSH D002311, MONDO:0005021, HP:0001644. Inheritance: Various modes of inheritance.
Cardiovascular phenotype. Identifiers: MedGen CN230736.

Submissions (2):

Ambry Genetics
Classification: Likely pathogenic for Cardiovascular phenotype. Last evaluated: 2024-04-26. Review status: criteria provided, single submitter. Criteria: Ambry Variant Classification Scheme 2023. Collection method: clinical testing. Allele origin: germline.
Comment: The c.64146_64148delGCGinsTAAGTGGGTGTGA (p.L21382Ffs*5) alteration, located in exon 164 (coding exon 163) of the TTN gene, consists of an deletion of 3 and insertion of 13 nucleotides causing a translational frameshift at position 64146 with a predicted alternate stop codon after 5 amino acids. This alteration is expected to result in loss of function by premature protein truncation or nonsense-mediated mRNA decay. This variant was not reported in population-based cohorts in the Genome Aggregation Database (gnomAD). This exon is located in the A-band region of the N2-B isoform of the titin protein and is constitutively expressed in TTN transcripts (percent spliced in or PSI 100%). Based on the available evidence, this alteration is classified as likely pathogenic.

Laboratory for Molecular Medicine, Mass General Brigham Personalized Medicine
Classification: Likely pathogenic for Primary dilated cardiomyopathy. Last evaluated: 2014-04-16. Review status: criteria provided, single submitter. Criteria: LMM Criteria. Collection method: clinical testing. Allele origin: germline. Observed: 1 variant allele.
Comment: The Leu27879fs variant in TTN has not been identified in individuals with cardio myopathy or in large population studies. This frameshift variant is predicted to alter the protein's amino acid sequence beginning at position 27879 and lead to a premature termination codon 5 amino acids downstream. This alteration is then predicted to lead to a truncated or absent protein. Nonsense and other truncati ng variants in TTN are strongly associated with DCM and the majority occur in th e A-band (Herman 2012, Pugh 2014), where this variant is located. In summary, th is variant is likely pathogenic, though additional studies are required to fully establish its clinical significance.

NM_001267550.2(TTN):c.91341_91343delinsTAAGTGGGTGTGA (p.Leu30447_Arg30448delinsPheLysTrpValTer)

Genes: TTN (titin; minus strand), TTN-AS1 (TTN antisense RNA 1; plus strand). Cytogenetic location: 2q31.2.
Variant type: Indel.
Coding change: c.91341_91343delinsTAAGTGGGTGTGA on transcript NM_001267550.2 (MANE Select); coding-DNA positions 91341 to 91343, GCG replaced by TAAGTGGGTGTGA.
Protein change: p.Leu30447_Arg30448delinsPheLysTrpValTer.
Molecular consequence: nonsense.
Genome position (GRCh38, 1-based): chr2:178,551,188-178,551,190, CGC replaced by TCACACCCACTTA on the plus strand (GCG replaced by TAAGTGGGTGTGA on the coding strand, the reverse complement: TTN is on the minus strand). VCF-style: chr2-178551188-CGC-TCACACCCACTTA. GRCh37 (hg19) VCF-style: chr2-179415915-CGC-TCACACCCACTTA.
Other names: c.86418_86420delinsTAAGTGGGTGTGA, p.Leu28806_Arg28807delinsPheLysTrpValTer (NM_001256850.1); c.64146_64148delinsTAAGTGGGTGTGA, p.Leu21382_Arg21383delinsPheLysTrpValTer (NM_003319.4); c.83637_83639delinsTAAGTGGGTGTGA, p.Leu27879_Arg27880delinsPheLysTrpValTer (NM_133378.4); c.64521_64523delinsTAAGTGGGTGTGA, p.Leu21507_Arg21508delinsPheLysTrpValTer (NM_133432.3); c.64722_64724delinsTAAGTGGGTGTGA, p.Leu21574_Arg21575delinsPheLysTrpValTer (NM_133437.4); c.64146_64148delGCGinsTAAGTGGGTGTGA (NM_003319.4).
Identifiers: ClinVar variation 179719 (VCV000179719.6), dbSNP rs727505076, ClinGen allele CA273645.
Genomic context (GRCh38, chr2:178,551,188, plus strand): 5'-CAGCGTTCATTTCCTTGCCGTTTCTCAATGCTATAGCCCACAATCTTACTGCCTCCATCA[CGC>TCACACCCACTTA]AATGGTGGGTTCCATTTAAGTGTGATGGTTTCCCGGGTGACATCAATGTAGTCAGGAGTG-3'